The following is an entry in ClinVar:

ClinVar aggregate classification (germline): Uncertain significance. Review status: criteria provided, multiple submitters, no conflicts (2 of 4 stars). 2 submissions from 2 submitters: Uncertain significance (2). Last evaluated 2022-04-18.

Allele frequency attached by ClinVar (database versions not stated): TOPMed below 0.00001; ExAC 0.00001; gnomAD exomes below 0.00001 and 0.00001.
gnomAD v4.1: 2 of 1,203,784 alleles (0.00017%); highest among the groups gnomAD compares: Admixed American, 0.0044%; no homozygotes.

Submissions (2):

Labcorp Genetics (formerly Invitae), Labcorp
Classification: Uncertain significance. Last evaluated: 2022-04-18. Review status: criteria provided, single submitter. Criteria: Invitae Variant Classification Sherloc (09022015). Collection method: clinical testing. Allele origin: germline.
Comment: In summary, the available evidence is currently insufficient to determine the role of this variant in disease. Therefore, it has been classified as a Variant of Uncertain Significance. Algorithms developed to predict the effect of missense changes on protein structure and function (SIFT, PolyPhen-2, Align-GVGD) all suggest that this variant is likely to be tolerated. ClinVar contains an entry for this variant (Variation ID: 166775). This variant has not been reported in the literature in individuals affected with CACNA1F-related conditions. This variant is present in population databases (rs781936182, gnomAD 0.008%). This sequence change replaces glutamine, which is neutral and polar, with histidine, which is basic and polar, at codon 1762 of the CACNA1F protein (p.Gln1762His).

Eurofins Ntd Llc (ga)
Classification: Uncertain significance. Last evaluated: 2014-01-22. Review status: criteria provided, single submitter. Criteria: EGL Classification Definitions 2015. Collection method: clinical testing. Allele origin: germline. Observed: 1 variant allele, 1 heterozygote.

NM_001256789.3(CACNA1F):c.5253G>C (p.Gln1751His)

Gene: CACNA1F (calcium voltage-gated channel subunit alpha1 F; minus strand). Cytogenetic location: Xp11.23.
Variant type: single nucleotide variant.
Coding change: c.5253G>C on transcript NM_001256789.3 (MANE Select); coding-DNA position 5253, G replaced by C.
Protein change: p.Gln1751His; replaces glutamine 1751 with histidine.
Molecular consequence: missense variant.
Genome position (GRCh38, 1-based): chrX:49,206,834, C>G on the plus strand (G>C on the coding strand, the complement: CACNA1F is on the minus strand). VCF-style: chrX-49206834-C-G. GRCh37 (hg19) VCF-style: chrX-49063295-C-G.
Other names: c.5091G>C, p.Gln1697His (NM_001256790.3); c.5286G>C, p.Gln1762His (NM_005183.4); short protein forms Q1762H, Q1697H, Q1751H.
Identifiers: ClinVar variation 166775 (VCV000166775.10), dbSNP rs781936182, ClinGen allele CA233615.
Genomic context (GRCh38, chrX:49,206,834, plus strand): 5'-ATCCATGTATCTCTGAGCTCTGTGAGGTGGCAAAAGGACTGAGCACGGGGGAGTCCCTGC[C>G]TGCTCATCTAGGTAGGAAAGCCTGTGTGGGTGGGAGGGCCAGGGGTGAACTTGGGTCTGG-3'
Protein context (NP_001243718.1, residues 1741-1761): VPDRLSYLDE[Gln1751His]AGTPPCSVLL